The following is an entry in ClinVar:

ClinVar aggregate classification (germline): Pathogenic (1 of 4 stars; one submission).

Conditions:
Polycystic kidney disease, adult type (PKD1). Also called: Polycystic Kidney, Autosomal Dominant; POLYCYSTIC KIDNEY DISEASE, ADULT, TYPE I; Polycystic Kidney Disease 1, Autosomal Dominant; Polycystic kidney disease 1; Polycystic kidney disease 1, severe; POLYCYSTIC KIDNEY DISEASE 1 WITH OR WITHOUT POLYCYSTIC LIVER DISEASE. Identifiers: MedGen C3149841, MONDO:0008263, OMIM 173900.

Submission:

Women's Health and Genetics/Laboratory Corporation of America, LabCorp
Classification: Pathogenic for Polycystic kidney disease, adult type. Last evaluated: 2026-05-15. Review status: criteria provided, single submitter. Criteria: LabCorp Variant Classification Summary - May 2015. Collection method: clinical testing. Allele origin: germline.
Comment: Variant summary: PKD1 c.11750_11759del10 (p.Ala3917ValfsX25) results in a premature termination codon, predicted to cause a truncation of the encoded protein or absence of the protein due to nonsense mediated decay, which are commonly known mechanisms for disease. The variant was absent in 105524 control chromosomes. To our knowledge, no occurrence of c.11750_11759del10 in individuals affected with PKD1-related conditions and no experimental evidence demonstrating its impact on protein function have been reported. No submitters have cited clinical-significance assessments for this variant to ClinVar. Based on the evidence outlined above, the variant was classified as pathogenic.

NM_001009944.3(PKD1):c.11750_11759del (p.Ala3917fs)

Gene: PKD1 (polycystin 1, transient receptor potential channel interacting; minus strand). Cytogenetic location: 16p13.3.
Variant type: Deletion.
Coding change: c.11750_11759del on transcript NM_001009944.3 (MANE Select); coding-DNA positions 11750 to 11759, 10 bases deleted (CCGAGGCCCG; older notation c.11750_11759delCCGAGGCCCG).
Protein change: p.Ala3917fs; shifts the reading frame from alanine 3917.
Molecular consequence: frameshift variant.
Genome position (GRCh38, 1-based): chr16:2,091,128-2,091,137, CGGGCCTCGG deleted on the plus strand (CCGAGGCCCG on the coding strand, the reverse complement: PKD1 is on the minus strand); deleting any 10 consecutive bases within chr16:2,091,128-2,091,138 gives the same sequence; the c. name uses the placement nearest the transcript's 3' end. VCF-style (leftmost placement, unchanged base first): chr16-2091127-ACGGGCCTCGG-A. GRCh37 (hg19) VCF-style: chr16-2141128-ACGGGCCTCGG-A.
Other names: c.11750_11759del10 (NM_001009944.3); c.11747_11756del, p.Ala3916fs (NM_000296.4); short protein forms A3916fs, A3917fs.
Identifiers: ClinVar variation 4853053 (VCV004853053.1).